The following is an entry in ClinVar:

ClinVar aggregate classification (germline): Likely benign. Review status: criteria provided, multiple submitters, no conflicts (2 of 4 stars). 2 submissions from 2 submitters: Likely benign (2). Last evaluated 2018-06-18.

Allele frequency attached by ClinVar (database versions not stated): 1000 Genomes Project 0.00719; 1000 Genomes Project 30x 0.00734; TOPMed 0.01497; gnomAD 0.01512 and 0.01563; gnomAD exomes 0.02005.
gnomAD v4.1: 12,396 of 655,634 alleles (1.9%); highest among the groups gnomAD compares: Non-Finnish European, 2.6%; 180 homozygotes.

Submissions (2):

GeneDx
Classification: Likely benign. Last evaluated: 2018-06-18. Review status: criteria provided, single submitter. Criteria: GeneDx Variant Classification (06012015). Collection method: clinical testing. Allele origin: germline. Affected: yes.
Comment: This variant is considered likely benign or benign based on one or more of the following criteria: it is a conservative change, it occurs at a poorly conserved position in the protein, it is predicted to be benign by multiple in silico algorithms, and/or has population frequency not consistent with disease.

Breakthrough Genomics
Classification: Likely benign. Review status: criteria provided, single submitter. Criteria: ACMG Guidelines, 2015. Collection method: not provided. Allele origin: germline. Inheritance: Autosomal dominant inheritance. Affected: yes.

NM_001035.3(RYR2):c.8590+124G>A

Gene: RYR2 (ryanodine receptor 2; plus strand). Cytogenetic location: 1q43.
Variant type: single nucleotide variant.
Coding change: c.8590+124G>A on transcript NM_001035.3 (MANE Select); 124 bases into the intron after coding-DNA position 8590, G replaced by A.
Molecular consequence: intron variant.
Genome position (GRCh38, 1-based): chr1:237,668,082, G>A. VCF-style: chr1-237668082-G-A. GRCh37 (hg19) VCF-style: chr1-237831382-G-A.
Identifiers: ClinVar variation 672212 (VCV000672212.2), dbSNP rs56090696, ClinGen allele CA39813925.